The following is an entry in ClinVar:

ClinVar aggregate classification (germline): Likely benign. Review status: criteria provided, multiple submitters, no conflicts (2 of 4 stars). 2 submissions from 2 submitters: Likely benign (2). Last evaluated 2018-06-19.

Allele frequency attached by ClinVar (database versions not stated): 1000 Genomes Project 30x 0.00297; 1000 Genomes Project 0.00300; TOPMed 0.00824; gnomAD 0.01048.
gnomAD v4.1: 15,665 of 1,301,534 alleles (1.2%); highest among the groups gnomAD compares: Non-Finnish European, 1.5%; 144 homozygotes.

Submissions (2):

GeneDx
Classification: Likely benign. Last evaluated: 2018-06-19. Review status: criteria provided, single submitter. Criteria: GeneDx Variant Classification (06012015). Collection method: clinical testing. Allele origin: germline. Affected: yes.
Comment: This variant is considered likely benign or benign based on one or more of the following criteria: it is a conservative change, it occurs at a poorly conserved position in the protein, it is predicted to be benign by multiple in silico algorithms, and/or has population frequency not consistent with disease.

Breakthrough Genomics
Classification: Likely benign. Review status: criteria provided, single submitter. Criteria: ACMG Guidelines, 2015. Collection method: not provided. Allele origin: germline. Inheritance: Autosomal recessive inheritance. Affected: yes.

NM_201384.3(PLEC):c.3261-117C>A

Gene: PLEC (plectin; minus strand). Cytogenetic location: 8q24.3.
Variant type: single nucleotide variant.
Coding change: c.3261-117C>A on transcript NM_201384.3 (MANE Select); 117 bases into the intron before coding-DNA position 3261, C replaced by A.
Molecular consequence: intron variant.
Genome position (GRCh38, 1-based): chr8:143,928,109, G>T on the plus strand (C>A on the coding strand, the complement: PLEC is on the minus strand). VCF-style: chr8-143928109-G-T. GRCh37 (hg19) VCF-style: chr8-145002277-G-T.
Other names: c.3342-117C>A (NM_000445.5); c.3219-117C>A (NM_201378.4); c.3195-117C>A (NM_201379.3); c.3672-117C>A (NM_201380.4); c.3165-117C>A (NM_201381.3); c.3261-117C>A (NM_201382.4); c.3273-117C>A (NM_201383.3).
Identifiers: ClinVar variation 678233 (VCV000678233.2), dbSNP rs138263219, ClinGen allele CA12780800.
Genomic context (GRCh38, chr8:143,928,109, plus strand): 5'-GAATGGAACCCAAGCCACAGCGACCCAGGGTGCTGCCTGCCAAGCCCAGACCCAACCCTG[G>T]GGGTCAGCTGACCCTGTGGTCAGAGGCTTGCTTCAGGAGAAGAACAGCCTTGGGGAGAAG-3'